The following is an entry in ClinVar:

NM_016333.4(SRRM2):c.8226del (p.Pro2743_Met2744insTer)

Gene: SRRM2 (serine/arginine repetitive matrix 2; plus strand). Cytogenetic location: 16p13.3.
Variant type: Deletion.
Coding change: c.8226del on transcript NM_016333.4 (MANE Select); coding-DNA position 8226, one base deleted (G; older notation c.8226delG).
Protein change: p.Pro2743_Met2744insTer.
Molecular consequence: frameshift variant.
Genome position (GRCh38, 1-based): chr16:2,770,694, G deleted; the last of 2 consecutive G bases (chr16:2,770,693-2,770,694); deleting either gives the same sequence. VCF-style (leftmost placement, unchanged base first): chr16-2770692-CG-C. GRCh37 (hg19) VCF-style: chr16-2820693-CG-C.
Identifiers: ClinVar variation 2446677 (VCV002446677.1), dbSNP rs1400289693, ClinGen allele CA719556807.

ClinVar aggregate classification (germline): Uncertain significance (1 of 4 stars; one submission).

Submission:

GeneDx
Classification: Uncertain significance. Last evaluated: 2022-10-01. Review status: criteria provided, single submitter. Criteria: GeneDx Variant Classification Process June 2021. Collection method: clinical testing. Allele origin: germline. Affected: yes.
Comment: Not observed at significant frequency in large population cohorts (gnomAD); Nonsense variant predicted to result in protein truncation as the last 9 amino acids are lost, although loss-of-function variants have not been reported downstream of this position in the protein; Has not been previously published as pathogenic or benign to our knowledge